The following is an entry in ClinVar:

NM_001384474.1(LOXHD1):c.4655A>G (p.Asn1552Ser)

Gene: LOXHD1 (lipoxygenase homology PLAT domains 1; minus strand). Cytogenetic location: 18q21.1.
Variant type: single nucleotide variant.
Coding change: c.4655A>G on transcript NM_001384474.1 (MANE Select); coding-DNA position 4655, A replaced by G.
Protein change: p.Asn1552Ser; replaces asparagine 1552 with serine.
Molecular consequence: missense variant.
Genome position (GRCh38, 1-based): chr18:46,524,793, T>C on the plus strand (A>G on the coding strand, the complement: LOXHD1 is on the minus strand). VCF-style: chr18-46524793-T-C. GRCh37 (hg19) VCF-style: chr18-44104756-T-C.
Other names: c.1322A>G, p.Asn441Ser (NM_001145472.3); c.1034A>G, p.Asn345Ser (NM_001308013.2); c.4655A>G, p.Asn1552Ser (NM_144612.7); c.4655A>G (NM_144612.6); short protein forms N1552S, N345S, N441S.
Identifiers: ClinVar variation 2060362 (VCV002060362.2), dbSNP rs1396540975, ClinGen allele CA402373299.

ClinVar aggregate classification (germline): Uncertain significance. Review status: criteria provided, multiple submitters, no conflicts (2 of 4 stars). 2 submissions from 2 submitters: Uncertain significance (2). Last evaluated 2025-05-26.

Conditions:
Inborn genetic diseases. Identifiers: MedGen C0950123, MeSH D030342.

Allele frequency attached by ClinVar (database versions not stated): gnomAD exomes below 0.00001; gnomAD 0.00002; TOPMed 0.00004.
gnomAD v4.1: 7 of 1,551,560 alleles (0.00045%); highest among the groups gnomAD compares: Admixed American, 0.012%; no homozygotes.

Submissions (2):

Ambry Genetics
Classification: Uncertain significance for Inborn genetic diseases. Last evaluated: 2025-05-26. Review status: criteria provided, single submitter. Criteria: Ambry Variant Classification Scheme 2023. Collection method: clinical testing. Allele origin: germline.

Labcorp Genetics (formerly Invitae), Labcorp
Classification: Uncertain significance. Last evaluated: 2022-06-14. Review status: criteria provided, single submitter. Criteria: Invitae Variant Classification Sherloc (09022015). Collection method: clinical testing. Allele origin: germline.
Comment: This sequence change replaces asparagine, which is neutral and polar, with serine, which is neutral and polar, at codon 1552 of the LOXHD1 protein (p.Asn1552Ser). This variant is present in population databases (no rsID available, gnomAD 0.01%). This variant has not been reported in the literature in individuals affected with LOXHD1-related conditions. Algorithms developed to predict the effect of missense changes on protein structure and function (SIFT, PolyPhen-2, Align-GVGD) all suggest that this variant is likely to be tolerated. In summary, the available evidence is currently insufficient to determine the role of this variant in disease. Therefore, it has been classified as a Variant of Uncertain Significance.